The following is an entry in ClinVar:

ClinVar aggregate classification (germline): Uncertain significance. Review status: criteria provided, multiple submitters, no conflicts (2 of 4 stars). 11 submissions from 11 submitters: Uncertain significance (9). 2 of the submissions do not count toward it. Last evaluated 2025-06-13.

Conditions:
Inborn genetic diseases. Identifiers: MedGen C0950123, MeSH D030342.
Congenital muscular dystrophy due to partial LAMA2 deficiency. Identifiers: MedGen C1842898.
Muscular dystrophy, limb-girdle, autosomal recessive 23. Identifiers: Orphanet 565837, MedGen C4748327, MONDO:0029136, OMIM 618138.
Merosin deficient congenital muscular dystrophy (MDC1A). Also called: Congenital merosin-deficient muscular dystrophy 1A; Congenital Muscular Dystrophy Type 1A (MDC1A). Identifiers: Orphanet 258, MedGen C1263858, MONDO:0011925, OMIM 607855.
LAMA2-related muscular dystrophy (LAMA2-RD). Also called: Laminin alpha 2-related dystrophy. Identifiers: MedGen C5679788, MONDO:0100228.

Allele frequency attached by ClinVar (database versions not stated): gnomAD exomes 0.00012 and 0.00024; ExAC 0.00016; gnomAD 0.00017 and 0.00019; TOPMed 0.00019; ESP Exome Variant Server 0.00023.
gnomAD v4.1: 369 of 1,612,316 alleles (0.023%); highest among the groups gnomAD compares: Non-Finnish European, 0.03%; no homozygotes.

Submissions (11):

Mayo Clinic Laboratories, Mayo Clinic
Classification: Uncertain significance. Last evaluated: 2025-06-13. Review status: criteria provided, single submitter. Criteria: ACMG Guidelines, 2015. Collection method: clinical testing. Allele origin: germline. Observed: 3 variant alleles.
Comment: PP3_strong

Revvity Omics, Revvity
Classification: Uncertain significance. Last evaluated: 2025-05-19. Review status: criteria provided, single submitter. Criteria: ACMG Guidelines, 2015. Collection method: clinical testing. Allele origin: germline.

GeneDx
Classification: Uncertain significance. Last evaluated: 2024-09-11. Review status: criteria provided, single submitter. Criteria: GeneDx Variant Classification Process June 2021. Collection method: clinical testing. Allele origin: germline. Affected: yes.
Comment: Reported previously as a variant of uncertain significance in a patient with familial dilated cardiomyopathy who also harbored variants in other genes including the TTN gene (PMID: 29961767); In silico analysis supports that this missense variant has a deleterious effect on protein structure/function; This variant is associated with the following publications: (PMID: 29961767)

Blueprint Genetics
Classification: Uncertain significance. Last evaluated: 2024-09-02. Review status: criteria provided, single submitter. Criteria: ACMG Guidelines, 2015. Collection method: clinical testing. Allele origin: germline.

Ambry Genetics
Classification: Uncertain significance for Inborn genetic diseases. Last evaluated: 2024-06-03. Review status: criteria provided, single submitter. Criteria: Ambry Variant Classification Scheme 2023. Collection method: clinical testing. Allele origin: germline.

Labcorp Genetics (formerly Invitae), Labcorp
Classification: Uncertain significance for LAMA2-related muscular dystrophy. Last evaluated: 2022-10-01. Review status: criteria provided, single submitter. Criteria: Invitae Variant Classification Sherloc (09022015). Collection method: clinical testing. Allele origin: germline.
Comment: This sequence change replaces glycine, which is neutral and non-polar, with valine, which is neutral and non-polar, at codon 2472 of the LAMA2 protein (p.Gly2472Val). This variant is present in population databases (rs200921233, gnomAD 0.03%). This variant has not been reported in the literature in individuals affected with LAMA2-related conditions. ClinVar contains an entry for this variant (Variation ID: 435715). Advanced modeling of protein sequence and biophysical properties (such as structural, functional, and spatial information, amino acid conservation, physicochemical variation, residue mobility, and thermodynamic stability) has been performed at Invitae for this missense variant, however the output from this modeling did not meet the statistical confidence thresholds required to predict the impact of this variant on LAMA2 protein function. In summary, the available evidence is currently insufficient to determine the role of this variant in disease. Therefore, it has been classified as a Variant of Uncertain Significance.

Fulgent Genetics
Classification: Uncertain significance for Merosin deficient congenital muscular dystrophy; Muscular dystrophy, limb-girdle, autosomal recessive 23. Last evaluated: 2018-10-31. Review status: criteria provided, single submitter. Criteria: ACMG Guidelines, 2015. Collection method: clinical testing. Allele origin: unknown.

Illumina Laboratory Services, Illumina
Classification: Uncertain significance for Congenital muscular dystrophy due to partial LAMA2 deficiency. Last evaluated: 2018-01-13. Review status: criteria provided, single submitter. Criteria: ICSL Variant Classification Criteria 13 December 2019. Collection method: clinical testing. Allele origin: germline.

Genetic Services Laboratory, University of Chicago
Classification: Uncertain significance. Last evaluated: 2016-10-11. Review status: criteria provided, single submitter. Criteria: ACMG Guidelines, 2015. Collection method: clinical testing. Allele origin: germline. Affected: no.

Clinical Genetics DNA and cytogenetics Diagnostics Lab, Erasmus MC, Erasmus Medical Center
Classification: Uncertain significance. Review status: no assertion criteria provided. Collection method: clinical testing. Allele origin: germline. Affected: yes. Study: VKGL Data-share Consensus. Not counted in ClinVar's aggregate classification.

Laboratory of Diagnostic Genome Analysis, Leiden University Medical Center (LUMC)
Classification: Uncertain significance. Review status: no assertion criteria provided. Collection method: clinical testing. Allele origin: germline. Affected: yes. Study: VKGL Data-share Consensus. Not counted in ClinVar's aggregate classification.

Literature cited by the submitters: PubMed 29961767 (cited by Mayo Clinic Laboratories, Mayo Clinic and Ambry Genetics).

NM_000426.4(LAMA2):c.7415G>T (p.Gly2472Val)

Gene: LAMA2 (laminin subunit alpha 2; plus strand). Cytogenetic location: 6q22.33.
Variant type: single nucleotide variant.
Coding change: c.7415G>T on transcript NM_000426.4 (MANE Select); coding-DNA position 7415, G replaced by T.
Protein change: p.Gly2472Val; replaces glycine 2472 with valine.
Molecular consequence: missense variant.
Genome position (GRCh38, 1-based): chr6:129,473,328, G>T. VCF-style: chr6-129473328-G-T. GRCh37 (hg19) VCF-style: chr6-129794473-G-T.
Other names: c.7415G>T, p.Gly2472Val (NM_001079823.2); short protein forms G2472V.
Identifiers: ClinVar variation 435715 (VCV000435715.30), dbSNP rs200921233, ClinGen allele CA3994538.
Genomic context (GRCh38, chr6:129,473,328, plus strand): 5'-CGTCTTCTGGAAACAACTTTGGTCTTGACTTGAAAGCAGATGACAAAATATATTTTGGTG[G>T]CCTGCCAACGCTGAGAAACTTGAGGTAATTTAGTTTATATGTAAAGCTAAGGATTAAGTT-3'
Protein context (NP_000417.3, residues 2462-2482): LKADDKIYFG[Gly2472Val]LPTLRNLSMK